The following is an entry in ClinVar:

ClinVar aggregate classification (germline): Conflicting classifications of pathogenicity. Review status: criteria provided, conflicting classifications (1 of 4 stars). 6 submissions from 6 submitters: Uncertain significance (1); Benign (1); Likely benign (4). Last evaluated 2025-01-14.

Conditions:
Hereditary cancer-predisposing syndrome. Also called: Tumor predisposition; Hereditary neoplastic syndrome; Neoplastic Syndromes, Hereditary; Hereditary Cancer Syndrome. Identifiers: Orphanet 140162, MedGen C0027672, MeSH D009386, MONDO:0015356.
Familial cancer of breast. Also called: hereditary breast carcinoma; Hereditary breast cancer; BREAST CANCER, FAMILIAL. Identifiers: Orphanet 227535, MedGen C0346153, MONDO:0016419, OMIM 114480. Disease mechanism: loss of function.

Submissions (6):

Myriad Genetics, Inc.
Classification: Benign for Familial cancer of breast. Last evaluated: 2025-01-14. Review status: criteria provided, single submitter. Criteria: Myriad Autosomal Dominant, Autosomal Recessive and X-Linked Classification Criteria (2023). Collection method: clinical testing. Allele origin: unknown.
Comment: This variant is considered benign. This variant is a silent/synonymous amino acid change and it is not expected to impact splicing.

Labcorp Genetics (formerly Invitae), Labcorp
Classification: Likely benign for Familial cancer of breast. Last evaluated: 2024-10-29. Review status: criteria provided, single submitter. Criteria: Invitae Variant Classification Sherloc (09022015). Collection method: clinical testing. Allele origin: germline.

Quest Diagnostics Nichols Institute San Juan Capistrano
Classification: Uncertain significance. Last evaluated: 2023-09-08. Review status: criteria provided, single submitter. Criteria: Quest Diagnostics criteria. Collection method: clinical testing. Allele origin: unknown.
Comment: To the best of our knowledge, this variant has not been reported in individuals with PALB2-related conditions in the published literature. It also has not been reported in large, multi-ethnic general populations (Genome Aggregation Database). Analysis of this variant using software algorithms for the prediction of the effect of nucleotide changes on splicing yielded predictions that this variant does not affect PALB2 mRNA splicing . Based on the available information, we are unable to determine the clinical significance of this variant.

Ambry Genetics
Classification: Likely benign for Hereditary cancer-predisposing syndrome. Last evaluated: 2021-02-02. Review status: criteria provided, single submitter. Criteria: Ambry Variant Classification Scheme 2023. Collection method: clinical testing. Allele origin: germline.

Color Diagnostics, LLC DBA Color Health
Classification: Likely benign for Hereditary cancer-predisposing syndrome. Last evaluated: 2017-12-19. Review status: criteria provided, single submitter. Criteria: ACMG Guidelines, 2015. Collection method: clinical testing. Allele origin: germline.

GeneDx
Classification: Likely benign. Last evaluated: 2015-10-22. Review status: criteria provided, single submitter. Criteria: GeneDx Variant Classification (06012015). Collection method: clinical testing. Allele origin: germline. Affected: yes.
Comment: This variant is considered likely benign or benign based on one or more of the following criteria: it is a conservative change, it occurs at a poorly conserved position in the protein, it is predicted to be benign by multiple in silico algorithms, and/or has population frequency not consistent with disease.

NM_024675.4(PALB2):c.1746C>T (p.Ser582=)

Gene: PALB2 (partner and localizer of BRCA2; minus strand). Cytogenetic location: 16p12.2.
Variant type: single nucleotide variant.
Coding change: c.1746C>T on transcript NM_024675.4 (MANE Select); coding-DNA position 1746, C replaced by T.
Protein change: p.Ser582=; no amino-acid change (serine 582 retained).
Molecular consequence: synonymous variant.
Genome position (GRCh38, 1-based): chr16:23,630,408, G>A on the plus strand (C>T on the coding strand, the complement: PALB2 is on the minus strand). VCF-style: chr16-23630408-G-A. GRCh37 (hg19) VCF-style: chr16-23641729-G-A.
Identifiers: ClinVar variation 381235 (VCV000381235.17), dbSNP rs1057520985, ClinGen allele CA16607213.